The following is an entry in ClinVar:

NM_198253.3(TERT):c.1900G>T (p.Val634Leu)

Gene: TERT (telomerase reverse transcriptase; minus strand). Cytogenetic location: 5p15.33.
Variant type: single nucleotide variant.
Coding change: c.1900G>T on transcript NM_198253.3 (MANE Select); coding-DNA position 1900, G replaced by T.
Protein change: p.Val634Leu; replaces valine 634 with leucine.
Molecular consequence: missense variant. On other transcripts: non-coding transcript variant (2).
Genome position (GRCh38, 1-based): chr5:1,280,208, C>A on the plus strand (G>T on the coding strand, the complement: TERT is on the minus strand). VCF-style: chr5-1280208-C-A. GRCh37 (hg19) VCF-style: chr5-1280323-C-A.
Other names: c.1900G>T (NM_198253.2); c.1900G>T, p.Val634Leu (NM_001193376.3); short protein forms V634L.
Identifiers: ClinVar variation 1479616 (VCV001479616.7), dbSNP rs2126644267, ClinGen allele CA359081383.
Genomic context (GRCh38, chr5:1,280,208, plus strand): 5'-GCACAGCCACCCTCTTTTCTCTGCGGAACGTTCTGGCTCCCACGACGTAGTCCATGTTCA[C>A]AATCGGCCGCAGCCCGTCAGGCTTGGGGATGAAGCGGAGTCTGGACGTCAGCAGGGCGGG-3'
Protein context (NP_937983.2, residues 624-644): IPKPDGLRPI[Val634Leu]NMDYVVGART

ClinVar aggregate classification (germline): Uncertain significance. Review status: criteria provided, multiple submitters, no conflicts (2 of 4 stars). 2 submissions from 2 submitters: Uncertain significance (2). Last evaluated 2023-09-13.

Conditions:
Dyskeratosis congenita, autosomal dominant 2. Identifiers: MedGen C3151443, MONDO:0013521, OMIM 613989.
Idiopathic Pulmonary Fibrosis. Also called: Idiopathic fibrosing alveolitis, chronic form; idiopathic fibrosing alveolitis. Identifiers: Orphanet 2032, MedGen C1800706, MeSH D054990, MONDO:0800504.
Dyskeratosis congenita. Identifiers: Orphanet 1775, MedGen C0265965, MONDO:0015780.

Submissions (2):

Ambry Genetics
Classification: Uncertain significance for Dyskeratosis congenita. Last evaluated: 2023-09-13. Review status: criteria provided, single submitter. Criteria: Ambry Variant Classification Scheme 2023. Collection method: clinical testing. Allele origin: germline.
Comment: The p.V634L variant (also known as c.1900G>T), located in coding exon 4 of the TERT gene, results from a G to T substitution at nucleotide position 1900. The valine at codon 634 is replaced by leucine, an amino acid with highly similar properties. This amino acid position is conserved. In addition, this alteration is predicted to be deleterious by in silico analysis. Since supporting evidence is limited at this time, the clinical significance of this alteration remains unclear.

Labcorp Genetics (formerly Invitae), Labcorp
Classification: Uncertain significance for Dyskeratosis congenita, autosomal dominant 2; Idiopathic Pulmonary Fibrosis. Last evaluated: 2021-08-07. Review status: criteria provided, single submitter. Criteria: Invitae Variant Classification Sherloc (09022015). Collection method: clinical testing. Allele origin: germline.
Comment: This variant is not present in population databases (ExAC no frequency). This sequence change replaces valine with leucine at codon 634 of the TERT protein (p.Val634Leu). The valine residue is moderately conserved and there is a small physicochemical difference between valine and leucine. This variant has not been reported in the literature in individuals affected with TERT-related conditions. Advanced modeling of protein sequence and biophysical properties (such as structural, functional, and spatial information, amino acid conservation, physicochemical variation, residue mobility, and thermodynamic stability) performed at Invitae indicates that this missense variant is expected to disrupt TERT protein function. In summary, the available evidence is currently insufficient to determine the role of this variant in disease. Therefore, it has been classified as a Variant of Uncertain Significance.